The following is an entry in ClinVar:

ClinVar aggregate classification (germline): Uncertain significance. Review status: criteria provided, multiple submitters, no conflicts (2 of 4 stars). 2 submissions from 2 submitters: Uncertain significance (2). Last evaluated 2025-07-24.

Conditions:
GRAP-related disorder. Also called: GRAP-related condition.

gnomAD v4.1: 10 of 1,602,320 alleles (0.00062%); highest among the groups gnomAD compares: South Asian, 0.0067%; no homozygotes.

Submissions (2):

PreventionGenetics, part of Exact Sciences
Classification: Uncertain significance for GRAP-related condition. Last evaluated: 2025-07-24. Review status: criteria provided, single submitter. Criteria: ACMG Guidelines, 2015. Collection method: clinical testing. Allele origin: germline.
Comment: The GRAP c.431G>A variant is predicted to result in the amino acid substitution p.Arg144Gln. To our knowledge, this variant has not been reported in the literature. This variant is reported in 0.0071% of alleles in individuals of South Asian descent in gnomAD. At this time, the clinical significance of this variant is uncertain due to the absence of conclusive functional and genetic evidence.

Ambry Genetics
Classification: Uncertain significance. Last evaluated: 2025-06-07. Review status: criteria provided, single submitter. Criteria: Ambry Variant Classification Scheme 2023. Collection method: clinical testing. Allele origin: germline.

NM_006613.4(GRAP):c.431G>A (p.Arg144Gln)

Gene: GRAP (GRB2 related adaptor protein; minus strand). Cytogenetic location: 17p11.2.
Variant type: single nucleotide variant.
Coding change: c.431G>A on transcript NM_006613.4 (MANE Select); coding-DNA position 431, G replaced by A.
Protein change: p.Arg144Gln; replaces arginine 144 with glutamine.
Molecular consequence: missense variant. On other transcripts: intron variant (1).
Genome position (GRCh38, 1-based): chr17:19,024,252, C>T on the plus strand (G>A on the coding strand, the complement: GRAP is on the minus strand). VCF-style: chr17-19024252-C-T. GRCh37 (hg19) VCF-style: chr17-18927565-C-T.
Other names: c.300-2108G>A (NM_001330148.2); short protein forms R144Q.
Identifiers: ClinVar variation 4032122 (VCV004032122.2).